The following is an entry in ClinVar:

ClinVar aggregate classification (germline): Uncertain significance (1 of 4 stars; one submission).

Submission:

Labcorp Genetics (formerly Invitae), Labcorp
Classification: Uncertain significance. Last evaluated: 2024-03-07. Review status: criteria provided, single submitter. Criteria: Invitae Variant Classification Sherloc (09022015). Collection method: clinical testing. Allele origin: germline.
Comment: This sequence change replaces alanine, which is neutral and non-polar, with valine, which is neutral and non-polar, at codon 2682 of the SPEG protein (p.Ala2682Val). This variant is not present in population databases (gnomAD no frequency). This variant has not been reported in the literature in individuals affected with SPEG-related conditions. Algorithms developed to predict the effect of missense changes on protein structure and function output the following: SIFT: "Not Available"; PolyPhen-2: "Possibly Damaging"; Align-GVGD: "Not Available". The valine amino acid residue is found in multiple mammalian species, which suggests that this missense change does not adversely affect protein function. In summary, the available evidence is currently insufficient to determine the role of this variant in disease. Therefore, it has been classified as a Variant of Uncertain Significance.

NM_005876.5(SPEG):c.8045C>T (p.Ala2682Val)

Genes: ASIC4-AS1 (ASIC4 antisense RNA 1; minus strand), SPEG (striated muscle enriched protein kinase; plus strand). Cytogenetic location: 2q35.
Variant type: single nucleotide variant.
Coding change: c.8045C>T on transcript NM_005876.5 (MANE Select); coding-DNA position 8045, C replaced by T.
Protein change: p.Ala2682Val; replaces alanine 2682 with valine.
Molecular consequence: missense variant.
Genome position (GRCh38, 1-based): chr2:219,488,796, C>T. VCF-style: chr2-219488796-C-T. GRCh37 (hg19) VCF-style: chr2-220353518-C-T.
Other names: short protein forms A2682V.
Identifiers: ClinVar variation 3691495 (VCV003691495.2).